The following is an entry in ClinVar:

ClinVar aggregate classification (germline): Uncertain significance (1 of 4 stars; one submission).

gnomAD v4.1: 1 of 1,614,136 alleles (0.000062%); highest among the groups gnomAD compares: Non-Finnish European, 0.000085%; no homozygotes.

Submission:

Labcorp Genetics (formerly Invitae), Labcorp
Classification: Uncertain significance. Last evaluated: 2025-04-17. Review status: criteria provided, single submitter. Criteria: Invitae Variant Classification Sherloc (09022015). Collection method: clinical testing. Allele origin: germline.
Comment: This sequence change replaces arginine, which is basic and polar, with isoleucine, which is neutral and non-polar, at codon 424 of the RIPK1 protein (p.Arg424Ile). This variant is not present in population databases (gnomAD no frequency). This variant has not been reported in the literature in individuals affected with RIPK1-related conditions. ClinVar contains an entry for this variant (Variation ID: 3624169). An algorithm developed to predict the effect of missense changes on protein structure and function (PolyPhen-2) suggests that this variant is likely to be tolerated. In summary, the available evidence is currently insufficient to determine the role of this variant in disease. Therefore, it has been classified as a Variant of Uncertain Significance.

NM_001354930.2(RIPK1):c.1271G>T (p.Arg424Ile)

Gene: RIPK1 (receptor interacting serine/threonine kinase 1; plus strand). Cytogenetic location: 6p25.2.
Variant type: single nucleotide variant.
Coding change: c.1271G>T on transcript NM_001354930.2 (MANE Select); coding-DNA position 1271, G replaced by T.
Protein change: p.Arg424Ile; replaces arginine 424 with isoleucine.
Molecular consequence: missense variant.
Genome position (GRCh38, 1-based): chr6:3,105,746, G>T. VCF-style: chr6-3105746-G-T. GRCh37 (hg19) VCF-style: chr6-3105980-G-T.
Other names: c.782G>T, p.Arg261Ile (NM_001354933.2, NM_001354934.2, NM_001317061.3 and 1 more transcripts); c.1271G>T, p.Arg424Ile (NM_003804.6); c.1133G>T, p.Arg378Ile (NM_001354931.2); short protein forms R261I, R378I, R424I.
Identifiers: ClinVar variation 3624169 (VCV003624169.2).